The following is an entry in ClinVar:

NM_000038.6(APC):c.4735A>G (p.Ile1579Val)

Gene: APC (APC regulator of Wnt signaling pathway; plus strand). Cytogenetic location: 5q22.2.
Variant type: single nucleotide variant.
Coding change: c.4735A>G on transcript NM_000038.6 (MANE Select); coding-DNA position 4735, A replaced by G.
Protein change: p.Ile1579Val; replaces isoleucine 1579 with valine.
Molecular consequence: missense variant.
Genome position (GRCh38, 1-based): chr5:112,840,329, A>G. VCF-style: chr5-112840329-A-G. GRCh37 (hg19) VCF-style: chr5-112176026-A-G.
Other names: c.4735A>G, p.Ile1579Val (NM_001127510.3, NM_001354895.2); c.4681A>G, p.Ile1561Val (NM_001127511.3); c.4789A>G, p.Ile1597Val (NM_001354896.2); c.4765A>G, p.Ile1589Val (NM_001354897.2); c.4660A>G, p.Ile1554Val (NM_001354898.2); c.4651A>G, p.Ile1551Val (NM_001354899.2); c.4612A>G, p.Ile1538Val (NM_001354900.2); c.4558A>G, p.Ile1520Val (NM_001354901.2); and 5 more; short protein forms I1561V, I1579V, I1419V, I1478V, I1520V, I1296V, I1488V, I1538V.
Identifiers: ClinVar variation 141684 (VCV000141684.9), dbSNP rs587781935, ClinGen allele CA009718.

ClinVar aggregate classification (germline): Conflicting classifications of pathogenicity. Review status: criteria provided, conflicting classifications (1 of 4 stars). 2 submissions from 2 submitters: Likely pathogenic (1); Uncertain significance (1). Last evaluated 2026-05-04.

Conditions:
Hereditary cancer-predisposing syndrome. Also called: Neoplastic Syndromes, Hereditary; Tumor predisposition; Hereditary neoplastic syndrome; Hereditary Cancer Syndrome. Identifiers: Orphanet 140162, MedGen C0027672, MeSH D009386, MONDO:0015356.
Familial adenomatous polyposis 1 (FAP1). Also called: FAMILIAL ADENOMATOUS POLYPOSIS 1, ATTENUATED; POLYPOSIS, ADENOMATOUS INTESTINAL. Identifiers: MedGen C2713442, MONDO:0021056, OMIM 175100. Disease mechanism: loss of function.

Allele frequency attached by ClinVar (database versions not stated): gnomAD exomes below 0.00001.
gnomAD v4.1: 1 of 1,614,212 alleles (0.000062%); highest among the groups gnomAD compares: Non-Finnish European, 0.000085%; no homozygotes.

Submissions (2):

Ambry Genetics
Classification: Likely pathogenic for Hereditary cancer-predisposing syndrome. Last evaluated: 2026-05-04. Review status: criteria provided, single submitter. Criteria: Ambry Variant Classification Scheme 2023. Collection method: clinical testing. Allele origin: germline.
Comment: The p.I1579V variant (also known as c.4735A>G), located in coding exon 15 of the APC gene, results from an A to G substitution at nucleotide position 4735. The isoleucine at codon 1579 is replaced by valine, an amino acid with highly similar properties. This variant was reported in individual(s) with features consistent with APC-related familial adenomatous polyposis (Ambry internal data). In one study, p.I1579V was detected in one individual with multiple colorectal adenomas (total number of adenomas unknown) and 0/969 unrelated healthy controls (Azzopardi D et al. Cancer Res. 2008 Jan 15;68(2):358-63). Overall, this study found a higher frequency of rare, non-synonymous changes in individuals with multiple adenomas. Another variant at the same codon, p.I1579F (c.4735A>T), has been identified in individuals with features consistent with APC-related familial adenomatous polyposis (Ambry internal data). It has been suggested that this missense alteration within a SAMP-repeat region might disrupt APC secondary structure related to Axin binding (Minde DP et al. Mol Cancer. 2011 Aug 22;10:101). This amino acid position is highly conserved in available vertebrate species. In addition, in silico predictors for this gene do not accurately predict pathogenicity. This variant is considered to be rare based on population cohorts in the Genome Aggregation Database (gnomAD). Based on the majority of available evidence to date, this variant is likely to be pathogenic.

Labcorp Genetics (formerly Invitae), Labcorp
Classification: Uncertain significance for Familial adenomatous polyposis 1. Last evaluated: 2023-06-25. Review status: criteria provided, single submitter. Criteria: Invitae Variant Classification Sherloc (09022015). Collection method: clinical testing. Allele origin: germline.
Comment: This sequence change replaces isoleucine, which is neutral and non-polar, with valine, which is neutral and non-polar, at codon 1579 of the APC protein (p.Ile1579Val). This variant is not present in population databases (gnomAD no frequency). Advanced modeling of protein sequence and biophysical properties (such as structural, functional, and spatial information, amino acid conservation, physicochemical variation, residue mobility, and thermodynamic stability) performed at Invitae indicates that this missense variant is not expected to disrupt APC protein function. ClinVar contains an entry for this variant (Variation ID: 141684). This missense change has been observed in individual(s) with colorectal adenomas (PMID: 18199528). In summary, the available evidence is currently insufficient to determine the role of this variant in disease. Therefore, it has been classified as a Variant of Uncertain Significance.

Literature cited by the submitters: PubMed 18199528 (cited by Ambry Genetics and Labcorp Genetics (formerly Invitae), Labcorp); PubMed 21859464 (cited by Ambry Genetics).